The following is an entry in ClinVar:

ClinVar aggregate classification (germline): Uncertain significance (1 of 4 stars; one submission).

Submission:

GeneDx
Classification: Uncertain significance. Last evaluated: 2023-10-24. Review status: criteria provided, single submitter. Criteria: GeneDx Variant Classification Process June 2021. Collection method: clinical testing. Allele origin: germline. Affected: yes.
Comment: Not observed at significant frequency in large population cohorts (gnomAD); In silico analysis supports that this missense variant has a deleterious effect on protein structure/function; Has not been previously published as pathogenic or benign to our knowledge

NM_052867.4(NALCN):c.685T>C (p.Cys229Arg)

Gene: NALCN (sodium leak channel, non-selective; minus strand). Cytogenetic location: 13q33.1.
Variant type: single nucleotide variant.
Coding change: c.685T>C on transcript NM_052867.4 (MANE Select); coding-DNA position 685, T replaced by C.
Protein change: p.Cys229Arg; replaces cysteine 229 with arginine.
Molecular consequence: missense variant.
Genome position (GRCh38, 1-based): chr13:101,345,380, A>G on the plus strand (T>C on the coding strand, the complement: NALCN is on the minus strand). VCF-style: chr13-101345380-A-G. GRCh37 (hg19) VCF-style: chr13-101997731-A-G.
Other names: c.685T>C, p.Cys229Arg (NM_001350748.2, NM_001350749.2, NM_001350750.2 and 1 more transcripts); short protein forms C229R.
Identifiers: ClinVar variation 3363250 (VCV003363250.1).